The following is an entry in ClinVar:

NM_001009944.3(PKD1):c.4339G>A (p.Ala1447Thr)

Gene: PKD1 (polycystin 1, transient receptor potential channel interacting; minus strand). Cytogenetic location: 16p13.3.
Variant type: single nucleotide variant.
Coding change: c.4339G>A on transcript NM_001009944.3 (MANE Select); coding-DNA position 4339, G replaced by A.
Protein change: p.Ala1447Thr; replaces alanine 1447 with threonine.
Molecular consequence: missense variant.
Genome position (GRCh38, 1-based): chr16:2,110,828, C>T on the plus strand (G>A on the coding strand, the complement: PKD1 is on the minus strand). VCF-style: chr16-2110828-C-T. GRCh37 (hg19) VCF-style: chr16-2160829-C-T.
Other names: c.4339G>A, p.Ala1447Thr (NM_000296.4); c.4339G>A (NM_001009944.2); short protein forms A1447T.
Identifiers: ClinVar variation 805164 (VCV000805164.6), dbSNP rs535676910, ClinGen allele CA7832405.

ClinVar aggregate classification (germline): Conflicting classifications of pathogenicity. Review status: criteria provided, conflicting classifications (1 of 4 stars). 3 submissions from 3 submitters: Uncertain significance (1); Likely benign (1). 1 of the submissions does not count toward it. Last evaluated 2022-08-02.

Conditions:
Inborn genetic diseases. Identifiers: MedGen C0950123, MeSH D030342.
PKD1-related disorder. Also called: PKD1-related condition.

Allele frequency attached by ClinVar (database versions not stated): gnomAD 0.00001 and 0.00002; gnomAD exomes 0.00007 and 0.00031; TOPMed 0.00008; ExAC 0.00018; 1000 Genomes Project 0.00020; 1000 Genomes Project 30x 0.00031.
gnomAD v4.1: 102 of 1,611,698 alleles (0.0063%); highest among the groups gnomAD compares: Admixed American, 0.14%; no homozygotes.

Submissions (3):

Ambry Genetics
Classification: Uncertain significance for Inborn genetic diseases. Last evaluated: 2022-08-02. Review status: criteria provided, single submitter. Criteria: Ambry Variant Classification Scheme 2023. Collection method: clinical testing. Allele origin: germline.

Athena Diagnostics
Classification: Likely benign. Last evaluated: 2019-06-27. Review status: criteria provided, single submitter. Criteria: Athena Diagnostics Criteria. Collection method: clinical testing. Allele origin: germline.

PreventionGenetics, part of Exact Sciences
Classification: Likely benign for PKD1-related condition. Last evaluated: 2020-02-24. Review status: no assertion criteria provided. Collection method: clinical testing. Allele origin: germline. Not counted in ClinVar's aggregate classification.
Comment: This variant is classified as likely benign based on ACMG/AMP sequence variant interpretation guidelines (Richards et al. 2015 PMID: 25741868, with internal and published modifications).